The following is an entry in ClinVar:

ClinVar aggregate classification (germline): Uncertain significance. Review status: criteria provided, multiple submitters, no conflicts (2 of 4 stars). 2 submissions from 2 submitters: Uncertain significance (2). Last evaluated 2025-03-16.

Conditions:
NTRK2-related disorder. Also called: NTRK2-related condition.

Allele frequency attached by ClinVar (database versions not stated): ExAC 0.00001; gnomAD 0.00001; gnomAD exomes 0.00002 and 0.00003; TOPMed 0.00002.
gnomAD v4.1: 37 of 1,612,722 alleles (0.0023%); highest among the groups gnomAD compares: Middle Eastern, 0.033%; no homozygotes.

Submissions (2):

PreventionGenetics, part of Exact Sciences
Classification: Uncertain significance for NTRK2-related condition. Last evaluated: 2025-03-16. Review status: criteria provided, single submitter. Criteria: ACMG Guidelines, 2015. Collection method: clinical testing. Allele origin: germline.
Comment: The NTRK2 c.358A>G variant is predicted to result in the amino acid substitution p.Ile120Val. To our knowledge, this variant has not been reported in the literature. This variant is reported in 0.0044% of alleles in individuals of European (Non-Finnish) descent in gnomAD. At this time, the clinical significance of this variant is uncertain due to the absence of conclusive functional and genetic evidence.

Labcorp Genetics (formerly Invitae), Labcorp
Classification: Uncertain significance. Last evaluated: 2024-05-27. Review status: criteria provided, single submitter. Criteria: Invitae Variant Classification Sherloc (09022015). Collection method: clinical testing. Allele origin: germline.
Comment: This sequence change replaces isoleucine, which is neutral and non-polar, with valine, which is neutral and non-polar, at codon 120 of the NTRK2 protein (p.Ile120Val). This variant is present in population databases (rs200467220, gnomAD 0.004%). This variant has not been reported in the literature in individuals affected with NTRK2-related conditions. ClinVar contains an entry for this variant (Variation ID: 1486965). Algorithms developed to predict the effect of missense changes on protein structure and function output the following: SIFT: "Not Available"; PolyPhen-2: "Benign"; Align-GVGD: "Not Available". The valine amino acid residue is found in multiple mammalian species, which suggests that this missense change does not adversely affect protein function. In summary, the available evidence is currently insufficient to determine the role of this variant in disease. Therefore, it has been classified as a Variant of Uncertain Significance.

NM_006180.6(NTRK2):c.358A>G (p.Ile120Val)

Gene: NTRK2 (neurotrophic receptor tyrosine kinase 2; plus strand). Cytogenetic location: 9q21.33.
Variant type: single nucleotide variant.
Coding change: c.358A>G on transcript NM_006180.6 (MANE Select); coding-DNA position 358, A replaced by G.
Protein change: p.Ile120Val; replaces isoleucine 120 with valine.
Molecular consequence: missense variant. On other transcripts: 5 prime UTR variant (4).
Genome position (GRCh38, 1-based): chr9:84,702,418, A>G. VCF-style: chr9-84702418-A-G. GRCh37 (hg19) VCF-style: chr9-87317333-A-G.
Other names: c.358A>G, p.Ile120Val (NM_001369538.1, NM_001369539.1, NM_001369540.1 and 18 more transcripts); c.358A>G (NM_006180.4); c.-111A>G (NM_001369535.1, NM_001369536.1, NM_001369550.1 and 1 more transcripts); short protein forms I120V.
Identifiers: ClinVar variation 1486965 (VCV001486965.7), dbSNP rs200467220, ClinGen allele CA5105474.